The following is an entry in ClinVar:

NM_002693.3(POLG):c.1912dup (p.Thr638fs)

Gene: POLG (DNA polymerase gamma, catalytic subunit; minus strand). Cytogenetic location: 15q26.1.
Variant type: Duplication.
Coding change: c.1912dup on transcript NM_002693.3 (MANE Select); coding-DNA position 1912, one base duplicated (A; older notation c.1912dupA).
Protein change: p.Thr638fs; shifts the reading frame from threonine 638.
Molecular consequence: frameshift variant.
Genome position (GRCh38, 1-based): chr15:89,325,487, T duplicated on the plus strand (A on the coding strand, the reverse complement: POLG is on the minus strand). VCF-style (leftmost placement, unchanged base first): chr15-89325486-G-GT. GRCh37 (hg19) VCF-style: chr15-89868717-G-GT.
Other names: c.1912dup, p.Thr638fs (NM_001126131.2); short protein forms T638fs.
Identifiers: ClinVar variation 2861546 (VCV002861546.3), dbSNP rs2509248512, ClinGen allele CA2739269673.

ClinVar aggregate classification (germline): Pathogenic (1 of 4 stars; one submission).

Conditions:
Progressive sclerosing poliodystrophy (MTDPS4A). Also called: Mitochondrial DNA depletion syndrome 4A (Alpers type); ALPERS PROGRESSIVE INFANTILE POLIODYSTROPHY; NEURONAL DEGENERATION OF CHILDHOOD WITH LIVER DISEASE, PROGRESSIVE; Alpers Syndrome; ALPERS DIFFUSE DEGENERATION OF CEREBRAL GRAY MATTER WITH HEPATIC CIRRHOSIS; Alpers-Huttenlocher Syndrome. Identifiers: Orphanet 726, MedGen C0205710, MONDO:0008758, OMIM 203700.

Submission:

Labcorp Genetics (formerly Invitae), Labcorp
Classification: Pathogenic for Progressive sclerosing poliodystrophy. Last evaluated: 2023-05-02. Review status: criteria provided, single submitter. Criteria: Invitae Variant Classification Sherloc (09022015). Collection method: clinical testing. Allele origin: germline.
Comment: For these reasons, this variant has been classified as Pathogenic. Algorithms developed to predict the effect of sequence changes on RNA splicing suggest that this variant may disrupt the consensus splice site. This variant has not been reported in the literature in individuals affected with POLG-related conditions. This variant is not present in population databases (gnomAD no frequency). This sequence change creates a premature translational stop signal (p.Thr638Asnfs*46) in the POLG gene. It is expected to result in an absent or disrupted protein product. Loss-of-function variants in POLG are known to be pathogenic (PMID: 18546365).

Literature cited by the submitters: PubMed 18546365.